The following is an entry in ClinVar:

NM_000090.4(COL3A1):c.2075C>T (p.Pro692Leu)

Gene: COL3A1 (collagen type III alpha 1 chain; plus strand). Cytogenetic location: 2q32.2.
Variant type: single nucleotide variant.
Coding change: c.2075C>T on transcript NM_000090.4 (MANE Select); coding-DNA position 2075, C replaced by T.
Protein change: p.Pro692Leu; replaces proline 692 with leucine.
Molecular consequence: missense variant.
Genome position (GRCh38, 1-based): chr2:188,999,337, C>T. VCF-style: chr2-188999337-C-T. GRCh37 (hg19) VCF-style: chr2-189864063-C-T.
Other names: short protein forms P692L.
Identifiers: ClinVar variation 3074888 (VCV003074888.2), dbSNP rs757526806, ClinGen allele CA349840125.

ClinVar aggregate classification (germline): Uncertain significance (1 of 4 stars; one submission).

Conditions:
Ehlers-Danlos syndrome, type 4 (EDSVASC). Also called: Ehlers-Danlos Syndrome Type IV; Ehlers-Danlos syndrome vascular type; Ehlers Danlos syndrome, ecchymotic type; Ehlers Danlos syndrome, arterial type; Ehlers Danlos syndrome, Sack-Barabas type. Identifiers: Orphanet 286, MedGen C0268338, MONDO:0017314, OMIM 130050.

Submission:

All of Us Research Program, National Institutes of Health
Classification: Uncertain significance for Ehlers-Danlos syndrome, type 4. Last evaluated: 2024-03-05. Review status: criteria provided, single submitter. Criteria: ACMG Guidelines, 2015. Collection method: clinical testing. Allele origin: germline. Inheritance: Autosomal dominant inheritance. Observed: 2 variant alleles, 2 heterozygotes.
Comment: This study involves interpretation of variants in research participants for the purpose of population health screening. Participant phenotype was not available at the time of variant classification. Additional details can be found in publication PMID: 35346344, PMCID: PMC8962531